The following is an entry in ClinVar:

ClinVar aggregate classification (germline): Pathogenic (1 of 4 stars; one submission).

Conditions:
Sandhoff disease. Also called: Beta-hexosaminidase-beta-subunit deficiency; GM2 gangliosidosis, type 2; Total hexosaminidase deficiency; Sandhoff-Jatzkewitz-Pilz disease; GM2-GANGLIOSIDOSIS, TYPE II; HEXOSAMINIDASES A AND B DEFICIENCY. Identifiers: Orphanet 796, MedGen C0036161, MONDO:0010006, OMIM 268800.

Submission:

Labcorp Genetics (formerly Invitae), Labcorp
Classification: Pathogenic for Sandhoff disease. Last evaluated: 2023-12-02. Review status: criteria provided, single submitter. Criteria: Invitae Variant Classification Sherloc (09022015). Collection method: clinical testing. Allele origin: germline.
Comment: This sequence change creates a premature translational stop signal (p.Asn68Thrfs*86) in the HEXB gene. It is expected to result in an absent or disrupted protein product. Loss-of-function variants in HEXB are known to be pathogenic (PMID: 7550345, 18758829). This variant is not present in population databases (gnomAD no frequency). This variant has not been reported in the literature in individuals affected with HEXB-related conditions. For these reasons, this variant has been classified as Pathogenic.

Literature cited by the submitters: PubMed 7550345; PubMed 18758829.

NM_000521.4(HEXB):c.201del (p.Asn68fs)

Gene: HEXB (hexosaminidase subunit beta; plus strand). Cytogenetic location: 5q13.3.
Variant type: Deletion.
Coding change: c.201del on transcript NM_000521.4 (MANE Select); coding-DNA position 201, one base deleted (G; older notation c.201delG).
Protein change: p.Asn68fs; shifts the reading frame from asparagine 68.
Molecular consequence: frameshift variant. On other transcripts: intron variant (1).
Genome position (GRCh38, 1-based): chr5:74,685,461, G deleted. VCF-style (leftmost placement, unchanged base first): chr5-74685460-CG-C. GRCh37 (hg19) VCF-style: chr5-73981285-CG-C.
Other names: c.-376-3867del (NM_001292004.2); short protein forms N68fs.
Identifiers: ClinVar variation 2748186 (VCV002748186.3), dbSNP rs2478687537, ClinGen allele CA2697547201.